The following is an entry in ClinVar:

NM_004329.3(BMPR1A):c.850C>G (p.Arg284Gly)

Gene: BMPR1A (bone morphogenetic protein receptor type 1A; plus strand). Cytogenetic location: 10q23.2.
Variant type: single nucleotide variant.
Coding change: c.850C>G on transcript NM_004329.3 (MANE Select); coding-DNA position 850, C replaced by G.
Protein change: p.Arg284Gly; replaces arginine 284 with glycine.
Molecular consequence: missense variant.
Genome position (GRCh38, 1-based): chr10:86,917,308, C>G. VCF-style: chr10-86917308-C-G. GRCh37 (hg19) VCF-style: chr10-88677065-C-G.
Other names: c.925C>G, p.Arg309Gly (NM_001406559.1); c.898C>G, p.Arg300Gly (NM_001406560.1); c.850C>G, p.Arg284Gly (NM_001406561.1, NM_001406562.1, NM_001406563.1 and 19 more transcripts); c.844C>G, p.Arg282Gly (NM_001406583.1); c.766C>G, p.Arg256Gly (NM_001406584.1, NM_001406585.1, NM_001406586.1 and 2 more transcripts); c.508C>G, p.Arg170Gly (NM_001406589.1); short protein forms R256G, R282G, R300G, R170G, R284G, R309G.
Identifiers: ClinVar variation 1763675 (VCV001763675.4), dbSNP rs765530074, ClinGen allele CA5585613.
Genomic context (GRCh38, chr10:86,917,308, plus strand): 5'-TTTACCACTGAAGAAGCCAGCTGGTTTCGAGAAACAGAAATCTACCAAACTGTGCTAATG[C>G]GCCATGAAAACATACTTGGTGGGTACACACTGATTCAGTCAATTTCATTTTTGACAAGGC-3'
Protein context (NP_004320.2, residues 274-294): ETEIYQTVLM[Arg284Gly]HENILGFIAA

ClinVar aggregate classification (germline): Uncertain significance. Review status: criteria provided, multiple submitters, no conflicts (2 of 4 stars). 2 submissions from 2 submitters: Uncertain significance (2). Last evaluated 2025-07-14.

Conditions:
Hereditary cancer-predisposing syndrome. Also called: Neoplastic Syndromes, Hereditary; Tumor predisposition; Hereditary neoplastic syndrome; Hereditary Cancer Syndrome. Identifiers: Orphanet 140162, MedGen C0027672, MeSH D009386, MONDO:0015356.
Juvenile polyposis syndrome (JPS). Identifiers: Orphanet 2929, MedGen C0345893, MONDO:0017380, OMIM 174900.

Allele frequency attached by ClinVar (database versions not stated): gnomAD 0.00001; TOPMed 0.00001.
gnomAD v4.1: 2 of 1,613,938 alleles (0.00012%); highest among the groups gnomAD compares: Non-Finnish European, 0.00017%; no homozygotes.

Submissions (2):

Labcorp Genetics (formerly Invitae), Labcorp
Classification: Uncertain significance for Juvenile polyposis syndrome. Last evaluated: 2025-07-14. Review status: criteria provided, single submitter. Criteria: Invitae Variant Classification Sherloc (09022015). Collection method: clinical testing. Allele origin: germline.
Comment: This sequence change replaces arginine, which is basic and polar, with glycine, which is neutral and non-polar, at codon 284 of the BMPR1A protein (p.Arg284Gly). This variant is present in population databases (rs765530074, gnomAD 0.0009%). This variant has not been reported in the literature in individuals affected with BMPR1A-related conditions. ClinVar contains an entry for this variant (Variation ID: 1763675). Invitae Evidence Modeling of protein sequence and biophysical properties (such as structural, functional, and spatial information, amino acid conservation, physicochemical variation, residue mobility, and thermodynamic stability) indicates that this missense variant is not expected to disrupt BMPR1A protein function with a negative predictive value of 80%. In summary, the available evidence is currently insufficient to determine the role of this variant in disease. Therefore, it has been classified as a Variant of Uncertain Significance.

Ambry Genetics
Classification: Uncertain significance for Hereditary cancer-predisposing syndrome. Last evaluated: 2022-03-29. Review status: criteria provided, single submitter. Criteria: Ambry Variant Classification Scheme 2023. Collection method: clinical testing. Allele origin: germline.
Comment: The p.R284G variant (also known as c.850C>G), located in coding exon 7 of the BMPR1A gene, results from a C to G substitution at nucleotide position 850. The arginine at codon 284 is replaced by glycine, an amino acid with dissimilar properties. This amino acid position is conserved. In addition, this alteration is predicted to be deleterious by in silico analysis. Since supporting evidence is limited at this time, the clinical significance of this alteration remains unclear.